The following is an entry in ClinVar:

ClinVar aggregate classification (germline): Uncertain significance (1 of 4 stars; one submission).

Conditions:
Inborn genetic diseases. Identifiers: MedGen C0950123, MeSH D030342.

Submission:

Ambry Genetics
Classification: Uncertain significance for Inborn genetic diseases. Last evaluated: 2026-08-23. Review status: criteria provided, single submitter. Criteria: Ambry Variant Classification Scheme 2023. Collection method: clinical testing. Allele origin: germline.
Comment: The p.G394A variant (also known as c.1181G>C), located in coding exon 6 of the RECQL4 gene, results from a G to C substitution at nucleotide position 1181. The glycine at codon 394 is replaced by alanine, an amino acid with similar properties. This amino acid position is conserved. In addition, this alteration is predicted to be tolerated by in silico analysis. Based on the available evidence, the clinical significance of this variant remains unclear.

NM_004260.4(RECQL4):c.1181G>C (p.Gly394Ala)

Gene: RECQL4 (RecQ like helicase 4; minus strand). Cytogenetic location: 8q24.3.
Variant type: single nucleotide variant.
Coding change: c.1181G>C on transcript NM_004260.4 (MANE Select); coding-DNA position 1181, G replaced by C.
Protein change: p.Gly394Ala; replaces glycine 394 with alanine.
Molecular consequence: missense variant. On other transcripts: non-coding transcript variant (3), intron variant (1).
Genome position (GRCh38, 1-based): chr8:144,515,841, C>G on the plus strand (G>C on the coding strand, the complement: RECQL4 is on the minus strand). VCF-style: chr8-144515841-C-G. GRCh37 (hg19) VCF-style: chr8-145741225-C-G.
Other names: c.1085G>C, p.Gly362Ala (NM_001413017.1, NM_001413020.1); c.1181G>C, p.Gly394Ala (NM_001413018.1, NM_001413019.1, NM_001413033.1 and 2 more transcripts); c.110G>C, p.Gly37Ala (NM_001413021.1, NM_001413022.1, NM_001413023.1 and 8 more transcripts); c.1052G>C, p.Gly351Ala (NM_001413025.1); c.48G>C, p.Trp16Cys (NM_001413027.1, NM_001413030.1, NM_001413031.1 and 2 more transcripts); c.830G>C, p.Gly277Ala (NM_001413029.1); c.-210+147G>C (NM_001413043.1); short protein forms G362A, G277A, G351A, G37A, W16C, G394A.
Identifiers: ClinVar variation 5028108 (VCV005028108.1).